The following is an entry in ClinVar:

NM_000404.4(GLB1):c.454C>A (p.Pro152Thr)

Gene: GLB1 (galactosidase beta 1; minus strand). Cytogenetic location: 3p22.3.
Variant type: single nucleotide variant.
Coding change: c.454C>A on transcript NM_000404.4 (MANE Select); coding-DNA position 454, C replaced by A.
Protein change: p.Pro152Thr; replaces proline 152 with threonine.
Molecular consequence: missense variant. On other transcripts: intron variant (1).
Genome position (GRCh38, 1-based): chr3:33,068,233, G>T on the plus strand (C>A on the coding strand, the complement: GLB1 is on the minus strand). VCF-style: chr3-33068233-G-T. GRCh37 (hg19) VCF-style: chr3-33109725-G-T.
Other names: c.364C>A, p.Pro122Thr (NM_001079811.3); c.598C>A, p.Pro200Thr (NM_001317040.2); c.454C>A, p.Pro152Thr (NM_001393580.1); c.246-2676C>A (NM_001135602.3); short protein forms P122T, P152T, P200T.
Identifiers: ClinVar variation 2097572 (VCV002097572.4), dbSNP rs2471435571, ClinGen allele CA351994000.
Genomic context (GRCh38, chr3:33,068,233, plus strand): 5'-CACCGCACCTAGGCTGAAGCTTTTATAAATCTTCTCAAGACATCTGTAACAACCTACCTG[G>T]GTCGGAGGAGCGGAGAAGAATAGACTCTTTCTCTAGCAGCCAAGCAGGTAATCCTCCCTA-3'
Protein context (NP_000395.3, residues 142-162): KESILLRSSD[Pro152Thr]DYLAAVDKWL

ClinVar aggregate classification (germline): Uncertain significance (1 of 4 stars; one submission).

Conditions:
GM1 gangliosidosis. Identifiers: Orphanet 354, MedGen C0085131, MONDO:0018149.
Mucopolysaccharidosis, MPS-IV-B (MPS4B). Also called: MORQUIO SYNDROME B; Mucopolysaccharidosis Type IVB (Morquio B Disease); Mucopolysaccharidosis type IV B; Mucopolysaccharidosis Type IVB; Mucopolysaccharidosis type 4B; Mucopolysaccharidosis type IVB (Morquio). Identifiers: Orphanet 309310, Orphanet 582, MedGen C0086652, MONDO:0009660, OMIM 253010.

Submission:

Labcorp Genetics (formerly Invitae), Labcorp
Classification: Uncertain significance for Mucopolysaccharidosis, MPS-IV-B; GM1 gangliosidosis. Last evaluated: 2022-02-14. Review status: criteria provided, single submitter. Criteria: Invitae Variant Classification Sherloc (09022015). Collection method: clinical testing. Allele origin: germline.
Comment: This sequence change replaces proline, which is neutral and non-polar, with threonine, which is neutral and polar, at codon 152 of the GLB1 protein (p.Pro152Thr). This variant is not present in population databases (gnomAD no frequency). This variant has not been reported in the literature in individuals affected with GLB1-related conditions. Algorithms developed to predict the effect of missense changes on protein structure and function are either unavailable or do not agree on the potential impact of this missense change (SIFT: "Deleterious"; PolyPhen-2: "Benign"; Align-GVGD: "Class C0"). In summary, the available evidence is currently insufficient to determine the role of this variant in disease. Therefore, it has been classified as a Variant of Uncertain Significance.